The following is an entry in ClinVar:

ClinVar aggregate classification (germline): Likely benign (0 of 4 stars; one submission).

Conditions:
CFAP410-related disorder. Also called: CFAP410-related condition.

Submission:

PreventionGenetics, part of Exact Sciences
Classification: Likely benign for CFAP410-related condition. Last evaluated: 2024-08-06. Review status: no assertion criteria provided. Collection method: clinical testing. Allele origin: germline.
Comment: This variant is classified as likely benign based on ACMG/AMP sequence variant interpretation guidelines (Richards et al. 2015 PMID: 25741868, with internal and published modifications).

NM_004928.3(CFAP410):c.643-170G>A

Gene: CFAP410 (cilia and flagella associated protein 410; minus strand). Cytogenetic location: 21q22.3.
Variant type: single nucleotide variant.
Coding change: c.643-170G>A on transcript NM_004928.3 (MANE Select); 170 bases into the intron before coding-DNA position 643, G replaced by A.
Molecular consequence: intron variant. On other transcripts: synonymous variant (1).
Genome position (GRCh38, 1-based): chr21:44,330,496, C>T on the plus strand (G>A on the coding strand, the complement: CFAP410 is on the minus strand). VCF-style: chr21-44330496-C-T. GRCh37 (hg19) VCF-style: chr21-45750379-C-T.
Other names: c.966G>A, p.Ala322= (NM_001271441.2); c.640-170G>A (NM_001271440.2); c.517-170G>A (NM_001271442.1).
Identifiers: ClinVar variation 3355146 (VCV003355146.1).
Genomic context (GRCh38, chr21:44,330,496, plus strand): 5'-GGGGTGTGGGCCGTCCAAGTGACTGACCGGCACACTCGGAGAATCTGAGCAGAGGAGCCC[C>T]GCCTGTGGACGCGTGTGTGGCACCTCTTCCACGTGACTCCTGTTGCCCTCAGCCCAGCAG-3'